The following is an entry in ClinVar:

ClinVar aggregate classification (germline): Uncertain significance. Review status: criteria provided, multiple submitters, no conflicts (2 of 4 stars). 2 submissions from 2 submitters: Uncertain significance (2). Last evaluated 2026-02-23.

Conditions:
Primary ciliary dyskinesia. Also called: Ciliary dyskinesia. Identifiers: Orphanet 244, MedGen C0008780, MONDO:0016575, HP:0012265.
Orofaciodigital syndrome I (OFD1). Also called: OFDS I; Papillon-Leage and Psaume Syndrome; Oral-Facial-Digital Syndrome Type I. Identifiers: Orphanet 2750, MedGen C1510460, MONDO:0010702, OMIM 311200.
Joubert syndrome. Also called: JOUBERT-BOLTSHAUSER SYNDROME; Familial aplasia of the vermis. Identifiers: Orphanet 475, MedGen C5979921, MONDO:0018772.

gnomAD v4.1: 1 of 1,209,318 alleles (0.000083%); highest among the groups gnomAD compares: African/African-American, 0.0018%; no homozygotes.

Submissions (2):

Ambry Genetics
Classification: Uncertain significance for Primary ciliary dyskinesia. Last evaluated: 2026-02-23. Review status: criteria provided, single submitter. Criteria: Ambry Variant Classification Scheme 2023. Collection method: clinical testing. Allele origin: germline.

Labcorp Genetics (formerly Invitae), Labcorp
Classification: Uncertain significance for Orofaciodigital syndrome I; Joubert syndrome. Last evaluated: 2025-12-04. Review status: criteria provided, single submitter. Criteria: Invitae Variant Classification Sherloc (09022015). Collection method: clinical testing. Allele origin: germline.
Comment: This sequence change replaces proline, which is neutral and non-polar, with leucine, which is neutral and non-polar, at codon 51 of the OFD1 protein (p.Pro51Leu). This variant is not present in population databases (gnomAD no frequency). This variant has not been reported in the literature in individuals affected with OFD1-related conditions. Invitae Evidence Modeling of protein sequence and biophysical properties (such as structural, functional, and spatial information, amino acid conservation, physicochemical variation, residue mobility, and thermodynamic stability) indicates that this missense variant is expected to disrupt OFD1 protein function with a positive predictive value of 80%. In summary, the available evidence is currently insufficient to determine the role of this variant in disease. Therefore, it has been classified as a Variant of Uncertain Significance.

NM_003611.3(OFD1):c.152C>T (p.Pro51Leu)

Gene: OFD1 (OFD1 centriole and centriolar satellite protein; plus strand). Cytogenetic location: Xp22.2.
Variant type: single nucleotide variant.
Coding change: c.152C>T on transcript NM_003611.3 (MANE Select); coding-DNA position 152, C replaced by T.
Protein change: p.Pro51Leu; replaces proline 51 with leucine.
Molecular consequence: missense variant. On other transcripts: 5 prime UTR variant (1).
Genome position (GRCh38, 1-based): chrX:13,736,518, C>T. VCF-style: chrX-13736518-C-T. GRCh37 (hg19) VCF-style: chrX-13754637-C-T.
Other names: c.152C>T, p.Pro51Leu (NM_001330209.2, NM_001440947.1, NM_001440948.1); c.-394C>T (NM_001330210.2); c.152C>T (NM_003611.2); short protein forms P51L.
Identifiers: ClinVar variation 4787700 (VCV004787700.2).
Genomic context (GRCh38, chrX:13,736,518, plus strand): 5'-TTGTTTTTATTTTATGCTAGACACAACTTCGAAACCAGCTAATTCATGAGTTGATGCACC[C>T]TGTATTGAGTGGAGAACTGCAGCCTCGGTCCATTTCAGTAGAAGGGAGCTCCCTCTTAAT-3'
Protein context (NP_003602.1, residues 41-61): RNQLIHELMH[Pro51Leu]VLSGELQPRS